The following is an entry in ClinVar:

ClinVar aggregate classification (germline): Uncertain significance. Review status: criteria provided, multiple submitters, no conflicts (2 of 4 stars). 4 submissions from 4 submitters: Uncertain significance (4). Last evaluated 2025-08-21.

Conditions:
MYO18B-related disorder. Also called: MYO18B-related condition.
Inborn genetic diseases. Identifiers: MedGen C0950123, MeSH D030342.
Klippel-Feil anomaly-myopathy-facial dysmorphism syndrome. Also called: Klippel-feil syndrome 4, autosomal recessive, with nemaline myopathy and facial dysmorphism; Klippel-Feil syndrome 4, autosomal recessive, with myopathy and facial dysmorphism. Identifiers: Orphanet 447974, MedGen C4225285, MONDO:0014689, OMIM 616549.

Allele frequency attached by ClinVar (database versions not stated): gnomAD exomes 0.00004 and 0.00010; gnomAD 0.00008 and 0.00009; TOPMed 0.00011; ExAC 0.00015; 1000 Genomes Project 30x 0.00031; 1000 Genomes Project 0.00040.
gnomAD v4.1: 76 of 1,612,816 alleles (0.0047%); highest among the groups gnomAD compares: East Asian, 0.027%; no homozygotes.

Submissions (4):

Ambry Genetics
Classification: Uncertain significance for Inborn genetic diseases. Last evaluated: 2025-08-21. Review status: criteria provided, single submitter. Criteria: Ambry Variant Classification Scheme 2023. Collection method: clinical testing. Allele origin: germline.

PreventionGenetics, part of Exact Sciences
Classification: Uncertain significance for MYO18B-related condition. Last evaluated: 2025-08-11. Review status: criteria provided, single submitter. Criteria: ACMG Guidelines, 2015. Collection method: clinical testing. Allele origin: germline.
Comment: The MYO18B c.6773G>A variant is predicted to result in the amino acid substitution p.Arg2258Gln. To our knowledge, this variant has not been reported in the literature. This variant is reported in 0.078% of alleles in individuals of East Asian descent in gnomAD. Although we suspect that this variant may be benign, at this time, the clinical significance of this variant is uncertain due to the absence of conclusive functional and genetic evidence.

Revvity Omics, Revvity
Classification: Uncertain significance for Klippel-Feil anomaly-myopathy-facial dysmorphism syndrome. Last evaluated: 2024-09-08. Review status: criteria provided, single submitter. Criteria: ACMG Guidelines, 2015. Collection method: clinical testing. Allele origin: germline.

Labcorp Genetics (formerly Invitae), Labcorp
Classification: Uncertain significance. Last evaluated: 2022-09-01. Review status: criteria provided, single submitter. Criteria: Invitae Variant Classification Sherloc (09022015). Collection method: clinical testing. Allele origin: germline.
Comment: This sequence change replaces arginine, which is basic and polar, with glutamine, which is neutral and polar, at codon 2258 of the MYO18B protein (p.Arg2258Gln). This variant is present in population databases (rs551701390, gnomAD 0.08%). This variant has not been reported in the literature in individuals affected with MYO18B-related conditions. ClinVar contains an entry for this variant (Variation ID: 1467714). Algorithms developed to predict the effect of missense changes on protein structure and function are either unavailable or do not agree on the potential impact of this missense change (SIFT: "Not Available"; PolyPhen-2: "Possibly Damaging"; Align-GVGD: "Not Available"). In summary, the available evidence is currently insufficient to determine the role of this variant in disease. Therefore, it has been classified as a Variant of Uncertain Significance.

NM_032608.7(MYO18B):c.6773G>A (p.Arg2258Gln)

Gene: MYO18B (myosin XVIIIB; plus strand). Cytogenetic location: 22q12.1.
Variant type: single nucleotide variant.
Coding change: c.6773G>A on transcript NM_032608.7 (MANE Select); coding-DNA position 6773, G replaced by A.
Protein change: p.Arg2258Gln; replaces arginine 2258 with glutamine.
Molecular consequence: missense variant.
Genome position (GRCh38, 1-based): chr22:26,026,747, G>A. VCF-style: chr22-26026747-G-A. GRCh37 (hg19) VCF-style: chr22-26422713-G-A.
Other names: c.6776G>A, p.Arg2259Gln (NM_001318245.2); c.6773G>A (NM_032608.6, NM_032608.5); short protein forms R2258Q, R2259Q.
Identifiers: ClinVar variation 1467714 (VCV001467714.7), dbSNP rs551701390, ClinGen allele CA10161612.